The following is an entry in ClinVar:

ClinVar aggregate classification (germline): Conflicting classifications of pathogenicity. Review status: criteria provided, conflicting classifications (1 of 4 stars). 2 submissions from 2 submitters: Uncertain significance (1); Likely benign (1). Last evaluated 2025-08-27.

Allele frequency attached by ClinVar (database versions not stated): gnomAD exomes 0.00004 and 0.00008; ExAC 0.00007; TOPMed 0.00012; gnomAD 0.00013; ESP Exome Variant Server 0.00015; 1000 Genomes Project 30x 0.00031; 1000 Genomes Project 0.00040.
gnomAD v4.1: 88 of 1,613,692 alleles (0.0055%); highest among the groups gnomAD compares: African/African-American, 0.017%; no homozygotes.

Submissions (2):

Labcorp Genetics (formerly Invitae), Labcorp
Classification: Likely benign. Last evaluated: 2025-08-27. Review status: criteria provided, single submitter. Criteria: Invitae Variant Classification Sherloc (09022015). Collection method: clinical testing. Allele origin: germline.

Women's Health and Genetics/Laboratory Corporation of America, LabCorp
Classification: Uncertain significance. Last evaluated: 2024-09-04. Review status: criteria provided, single submitter. Criteria: LabCorp Variant Classification Summary - May 2015. Collection method: clinical testing. Allele origin: germline.
Comment: Variant summary: TBXAS1 c.178C>T (p.Arg60Cys) results in a non-conservative amino acid change in the encoded protein sequence. Three of five in-silico tools predict a benign effect of the variant on protein function. The variant allele was found at a frequency of 8e-05 in 251408 control chromosomes. This frequency is not significantly higher than estimated for a pathogenic variant in TBXAS1 causing Ghosal Hematodiaphyseal Dysplasia, allowing no conclusion about variant significance. To our knowledge, no occurrence of c.178C>T in individuals affected with Ghosal Hematodiaphyseal Dysplasia and no experimental evidence demonstrating its impact on protein function have been reported. ClinVar contains an entry for this variant (Variation ID: 1459406). Based on the evidence outlined above, the variant was classified as uncertain significance.

NM_001061.7(TBXAS1):c.178C>T (p.Arg60Cys)

Gene: TBXAS1 (thromboxane A synthase 1; plus strand). Cytogenetic location: 7q34.
Variant type: single nucleotide variant.
Coding change: c.178C>T on transcript NM_001061.7 (MANE Select); coding-DNA position 178, C replaced by T.
Protein change: p.Arg60Cys; replaces arginine 60 with cysteine.
Molecular consequence: missense variant. On other transcripts: 5 prime UTR variant (1).
Genome position (GRCh38, 1-based): chr7:139,872,323, C>T. VCF-style: chr7-139872323-C-T. GRCh37 (hg19) VCF-style: chr7-139572122-C-T.
Other names: c.178C>T, p.Arg60Cys (NM_001130966.5, NM_001166253.4, NM_001366538.2 and 1 more transcripts); c.-24C>T (NM_001166254.4); c.92C>T, p.Pro31Leu (NM_001314028.4, NM_001366537.3); short protein forms P31L, R60C.
Identifiers: ClinVar variation 1459406 (VCV001459406.9), dbSNP rs143035930, ClinGen allele CA4511480.